The following is an entry in ClinVar:

NM_020964.3(EPG5):c.6574A>G (p.Lys2192Glu)

Gene: EPG5 (ectopic P-granules 5 autophagy tethering factor; minus strand). Cytogenetic location: 18q12.3.
Variant type: single nucleotide variant.
Coding change: c.6574A>G on transcript NM_020964.3 (MANE Select); coding-DNA position 6574, A replaced by G.
Protein change: p.Lys2192Glu; replaces lysine 2192 with glutamic acid.
Molecular consequence: missense variant.
Genome position (GRCh38, 1-based): chr18:45,866,845, T>C on the plus strand (A>G on the coding strand, the complement: EPG5 is on the minus strand). VCF-style: chr18-45866845-T-C. GRCh37 (hg19) VCF-style: chr18-43446810-T-C.
Other names: c.6574A>G, p.Lys2192Glu (NM_001410858.1); c.6571A>G, p.Lys2191Glu (NM_001410859.1); short protein forms K2191E, K2192E.
Identifiers: ClinVar variation 2114359 (VCV002114359.4), dbSNP rs2511486365, ClinGen allele CA402339018.

ClinVar aggregate classification (germline): Uncertain significance (1 of 4 stars; one submission).

Conditions:
Vici syndrome (VICIS). Identifiers: Orphanet 1493, MedGen C1855772, MONDO:0009452, OMIM 242840.

Submission:

Labcorp Genetics (formerly Invitae), Labcorp
Classification: Uncertain significance for Vici syndrome. Last evaluated: 2022-05-24. Review status: criteria provided, single submitter. Criteria: Invitae Variant Classification Sherloc (09022015). Collection method: clinical testing. Allele origin: germline.
Comment: This sequence change replaces lysine, which is basic and polar, with glutamic acid, which is acidic and polar, at codon 2192 of the EPG5 protein (p.Lys2192Glu). This variant is not present in population databases (gnomAD no frequency). This variant has not been reported in the literature in individuals affected with EPG5-related conditions. In summary, the available evidence is currently insufficient to determine the role of this variant in disease. Therefore, it has been classified as a Variant of Uncertain Significance. Algorithms developed to predict the effect of missense changes on protein structure and function are either unavailable or do not agree on the potential impact of this missense change (SIFT: "Deleterious"; PolyPhen-2: "Probably Damaging"; Align-GVGD: "Class C0").